The following is an entry in ClinVar:

NM_001394372.1(BICRA):c.3684G>A (p.Ser1228=)

Gene: BICRA (BRD4 interacting chromatin remodeling complex associated protein; plus strand). Cytogenetic location: 19q13.33.
Variant type: single nucleotide variant.
Coding change: c.3684G>A on transcript NM_001394372.1 (MANE Select); coding-DNA position 3684, G replaced by A.
Protein change: p.Ser1228=; no amino-acid change (serine 1228 retained).
Molecular consequence: synonymous variant.
Genome position (GRCh38, 1-based): chr19:47,701,416, G>A. VCF-style: chr19-47701416-G-A. GRCh37 (hg19) VCF-style: chr19-48204673-G-A.
Other names: c.3684G>A, p.Ser1228= (NM_015711.3).
Identifiers: ClinVar variation 4873803 (VCV004873803.2).

ClinVar aggregate classification (germline): Likely benign (1 of 4 stars; one submission).

gnomAD v4.1: 51 of 1,594,594 alleles (0.0032%); highest among the groups gnomAD compares: South Asian, 0.028%; no homozygotes.

Submission:

CeGaT Center for Human Genetics Tuebingen
Classification: Likely benign. Last evaluated: 2026-06-01. Review status: criteria provided, single submitter. Criteria: CeGaT Center For Human Genetics Tuebingen Variant Classification Criteria Version 2. Collection method: clinical testing. Allele origin: germline. Affected: yes. Observed: 1 variant allele.
Comment: BICRA: BP4, BP7